The following is an entry in ClinVar:

ClinVar aggregate classification (germline): Uncertain significance. Review status: criteria provided, multiple submitters, no conflicts (2 of 4 stars). 2 submissions from 2 submitters: Uncertain significance (2). Last evaluated 2026-01-17.

Conditions:
Neurodegeneration with brain iron accumulation 5 (NBIA5). Also called: Beta-propeller protein-associated neurodegeneration; STATIC ENCEPHALOPATHY OF CHILDHOOD WITH NEURODEGENERATION IN ADULTHOOD. Identifiers: Orphanet 329284, MedGen C3550973, MONDO:0010476, OMIM 300894.

Submissions (2):

Labcorp Genetics (formerly Invitae), Labcorp
Classification: Uncertain significance for Neurodegeneration with brain iron accumulation 5. Last evaluated: 2026-01-17. Review status: criteria provided, single submitter. Criteria: Invitae Variant Classification Sherloc (09022015). Collection method: clinical testing. Allele origin: germline.
Comment: This sequence change replaces aspartic acid, which is acidic and polar, with asparagine, which is neutral and polar, at codon 258 of the WDR45 protein (p.Asp258Asn). The frequency data for this variant in the population databases is considered unreliable, as metrics indicate poor data quality at this position in the gnomAD database. This variant has not been reported in the literature in individuals affected with WDR45-related conditions. ClinVar contains an entry for this variant (Variation ID: 3906739). Invitae Evidence Modeling of protein sequence and biophysical properties (such as structural, functional, and spatial information, amino acid conservation, physicochemical variation, residue mobility, and thermodynamic stability) indicates that this missense variant is not expected to disrupt WDR45 protein function with a negative predictive value of 80%. In summary, the available evidence is currently insufficient to determine the role of this variant in disease. Therefore, it has been classified as a Variant of Uncertain Significance.

GeneDx
Classification: Uncertain significance. Last evaluated: 2024-12-19. Review status: criteria provided, single submitter. Criteria: GeneDx Variant Classification Process June 2021. Collection method: clinical testing. Allele origin: germline. Affected: yes.
Comment: In silico analysis supports that this missense variant has a deleterious effect on protein structure/function; Has not been previously published as pathogenic or benign to our knowledge

NM_001029896.2(WDR45):c.769G>A (p.Asp257Asn)

Gene: WDR45 (WD repeat domain 45; minus strand). Cytogenetic location: Xp11.23.
Variant type: single nucleotide variant.
Coding change: c.769G>A on transcript NM_001029896.2 (MANE Select); coding-DNA position 769, G replaced by A.
Protein change: p.Asp257Asn; replaces aspartic acid 257 with asparagine.
Molecular consequence: missense variant.
Genome position (GRCh38, 1-based): chrX:49,075,422, C>T on the plus strand (G>A on the coding strand, the complement: WDR45 is on the minus strand). VCF-style: chrX-49075422-C-T. GRCh37 (hg19) VCF-style: chrX-48933081-C-T.
Other names: c.772G>A, p.Asp258Asn (NM_007075.4); short protein forms D257N, D258N.
Identifiers: ClinVar variation 3906739 (VCV003906739.2).